The following is an entry in ClinVar:

NM_000038.6(APC):c.2630G>A (p.Gly877Asp)

Gene: APC (APC regulator of Wnt signaling pathway; plus strand). Cytogenetic location: 5q22.2.
Variant type: single nucleotide variant.
Coding change: c.2630G>A on transcript NM_000038.6 (MANE Select); coding-DNA position 2630, G replaced by A.
Protein change: p.Gly877Asp; replaces glycine 877 with aspartic acid.
Molecular consequence: missense variant.
Genome position (GRCh38, 1-based): chr5:112,838,224, G>A. VCF-style: chr5-112838224-G-A. GRCh37 (hg19) VCF-style: chr5-112173921-G-A.
Other names: c.2630G>A, p.Gly877Asp (NM_001127510.3, NM_001354895.2, NM_001407450.1); c.2576G>A, p.Gly859Asp (NM_001127511.3); c.2684G>A, p.Gly895Asp (NM_001354896.2, NM_001407447.1, NM_001407448.1 and 1 more transcripts); c.2660G>A, p.Gly887Asp (NM_001354897.2); c.2555G>A, p.Gly852Asp (NM_001354898.2); c.2546G>A, p.Gly849Asp (NM_001354899.2); c.2507G>A, p.Gly836Asp (NM_001354900.2); c.2453G>A, p.Gly818Asp (NM_001354901.2, NM_001407453.1); and 11 more; short protein forms G717D, G748D, G751D, G794D, G867D, G849D, G870D, G786D.
Identifiers: ClinVar variation 1794051 (VCV001794051.2), dbSNP rs558732083, ClinGen allele CA16027083.

ClinVar aggregate classification (germline): Uncertain significance (1 of 4 stars; one submission).

Conditions:
Hereditary cancer-predisposing syndrome. Also called: Tumor predisposition; Hereditary Cancer Syndrome; Neoplastic Syndromes, Hereditary; Hereditary neoplastic syndrome. Identifiers: Orphanet 140162, MedGen C0027672, MeSH D009386, MONDO:0015356.

gnomAD v4.1: 4 of 1,614,002 alleles (0.00025%); highest among the groups gnomAD compares: Non-Finnish European, 0.00034%; no homozygotes.

Submission:

Ambry Genetics
Classification: Uncertain significance for Hereditary cancer-predisposing syndrome. Last evaluated: 2022-07-09. Review status: criteria provided, single submitter. Criteria: Ambry Variant Classification Scheme 2023. Collection method: clinical testing. Allele origin: germline.
Comment: The p.G877D variant (also known as c.2630G>A), located in coding exon 15 of the APC gene, results from a G to A substitution at nucleotide position 2630. The glycine at codon 877 is replaced by aspartic acid, an amino acid with similar properties. This amino acid position is conserved. In addition, in silico predictors for this gene do not accurately predict pathogenicity. Since supporting evidence is limited at this time, the clinical significance of this alteration remains unclear.